The following is an entry in ClinVar:

ClinVar aggregate classification (germline): Uncertain significance (1 of 4 stars; one submission).

Allele frequency attached by ClinVar (database versions not stated): gnomAD exomes 0.00002 and 0.00003; TOPMed 0.00002; gnomAD 0.00001; ExAC 0.00002.
gnomAD v4.1: 29 of 1,613,506 alleles (0.0018%); highest among the groups gnomAD compares: Non-Finnish European, 0.0024%; no homozygotes.

Submission:

Labcorp Genetics (formerly Invitae), Labcorp
Classification: Uncertain significance. Last evaluated: 2026-01-11. Review status: criteria provided, single submitter. Criteria: Invitae Variant Classification Sherloc (09022015). Collection method: clinical testing. Allele origin: germline.
Comment: This sequence change replaces aspartic acid, which is acidic and polar, with glutamic acid, which is acidic and polar, at codon 147 of the ERBIN protein (p.Asp147Glu). This variant is present in population databases (rs757550675, gnomAD 0.005%). This variant has not been reported in the literature in individuals affected with ERBIN-related conditions. ClinVar contains an entry for this variant (Variation ID: 1425829). An algorithm developed to predict the effect of missense changes on protein structure and function (PolyPhen-2) suggests that this variant is likely to be disruptive. In summary, the available evidence is currently insufficient to determine the role of this variant in disease. Therefore, it has been classified as a Variant of Uncertain Significance.

NM_001253697.2(ERBIN):c.441T>A (p.Asp147Glu)

Gene: ERBIN (erbb2 interacting protein; plus strand). Cytogenetic location: 5q12.3.
Variant type: single nucleotide variant.
Coding change: c.441T>A on transcript NM_001253697.2 (MANE Select); coding-DNA position 441, T replaced by A.
Protein change: p.Asp147Glu; replaces aspartic acid 147 with glutamic acid.
Molecular consequence: missense variant.
Genome position (GRCh38, 1-based): chr5:66,013,603, T>A. VCF-style: chr5-66013603-T-A. GRCh37 (hg19) VCF-style: chr5-65309431-T-A.
Other names: c.441T>A, p.Asp147Glu (NM_001006600.3, NM_001253698.2, NM_001253699.2 and 2 more transcripts); c.441T>A (NM_001253697.1); short protein forms D147E.
Identifiers: ClinVar variation 1425829 (VCV001425829.9), dbSNP rs757550675, ClinGen allele CA3285917.